The following is an entry in ClinVar:

NM_020754.4(ARHGAP31):c.567C>G (p.Cys189Trp)

Gene: ARHGAP31 (Rho GTPase activating protein 31; plus strand). Cytogenetic location: 3q13.33.
Variant type: single nucleotide variant.
Coding change: c.567C>G on transcript NM_020754.4 (MANE Select); coding-DNA position 567, C replaced by G.
Protein change: p.Cys189Trp; replaces cysteine 189 with tryptophan.
Molecular consequence: missense variant.
Genome position (GRCh38, 1-based): chr3:119,383,111, C>G. VCF-style: chr3-119383111-C-G. GRCh37 (hg19) VCF-style: chr3-119101958-C-G.
Other names: c.567C>G (NM_020754.3); short protein forms C189W.
Identifiers: ClinVar variation 2730130 (VCV002730130.4), dbSNP rs376381685, ClinGen allele CA2553633.

ClinVar aggregate classification (germline): Uncertain significance. Review status: criteria provided, multiple submitters, no conflicts (2 of 4 stars). 2 submissions from 2 submitters: Uncertain significance (2). Last evaluated 2024-12-03.

Conditions:
ARHGAP31-related disorder. Also called: ARHGAP31-related condition.

Allele frequency attached by ClinVar (database versions not stated): gnomAD 0.00002; TOPMed 0.00002; ESP Exome Variant Server 0.00008.
gnomAD v4.1: 42 of 1,614,070 alleles (0.0026%); highest among the groups gnomAD compares: Non-Finnish European, 0.0036%; no homozygotes.

Submissions (2):

PreventionGenetics, part of Exact Sciences
Classification: Uncertain significance for ARHGAP31-related condition. Last evaluated: 2024-12-03. Review status: criteria provided, single submitter. Criteria: ACMG Guidelines, 2015. Collection method: clinical testing. Allele origin: germline.
Comment: The ARHGAP31 c.567C>G variant is predicted to result in the amino acid substitution p.Cys189Trp. To our knowledge, this variant has not been reported in the literature. This variant is reported in 0.0031% of alleles in individuals of European (Non-Finnish) descent in gnomAD. At this time, the clinical significance of this variant is uncertain due to the absence of conclusive functional and genetic evidence.

Labcorp Genetics (formerly Invitae), Labcorp
Classification: Uncertain significance. Last evaluated: 2024-01-29. Review status: criteria provided, single submitter. Criteria: Invitae Variant Classification Sherloc (09022015). Collection method: clinical testing. Allele origin: germline.
Comment: This sequence change replaces cysteine, which is neutral and slightly polar, with tryptophan, which is neutral and slightly polar, at codon 189 of the ARHGAP31 protein (p.Cys189Trp). This variant is present in population databases (rs376381685, gnomAD 0.004%). This variant has not been reported in the literature in individuals affected with ARHGAP31-related conditions. An algorithm developed to predict the effect of missense changes on protein structure and function (PolyPhen-2) suggests that this variant is likely to be disruptive. In summary, the available evidence is currently insufficient to determine the role of this variant in disease. Therefore, it has been classified as a Variant of Uncertain Significance.